The following is an entry in ClinVar:

ClinVar aggregate classification (germline): Conflicting classifications of pathogenicity. Review status: criteria provided, conflicting classifications (1 of 4 stars). 4 submissions from 4 submitters: Uncertain significance (1); Benign (2); Likely benign (1). Last evaluated 2026-02-01.

Conditions:
Spastic paraplegia. Identifiers: MedGen C0037772, HP:0001258.

Allele frequency attached by ClinVar (database versions not stated): gnomAD exomes 0.00038; ExAC 0.00053; gnomAD 0.00128 and 0.00140; 1000 Genomes Project 0.00140; TOPMed 0.00144; 1000 Genomes Project 30x 0.00156; ESP Exome Variant Server 0.00185.
gnomAD v4.1: 332 of 1,613,548 alleles (0.021%); highest among the groups gnomAD compares: African/African-American, 0.4%; 1 homozygote.

Submissions (4):

Labcorp Genetics (formerly Invitae), Labcorp
Classification: Benign for Spastic paraplegia. Last evaluated: 2026-02-01. Review status: criteria provided, single submitter. Criteria: Invitae Variant Classification Sherloc (09022015). Collection method: clinical testing. Allele origin: germline.

Athena Diagnostics
Classification: Benign. Last evaluated: 2025-01-02. Review status: criteria provided, single submitter. Criteria: Athena Diagnostics Criteria. Collection method: clinical testing. Allele origin: unknown.
Comment: The frequency of this variant in the general population is higher than would generally be expected for pathogenic variants in this gene. Computational tools yielded predictions that this variant is unlikely to have an effect on normal RNA splicing. This nucleotide position exhibits low evolutionary conservation.

Eurofins Ntd Llc (ga)
Classification: Uncertain significance. Last evaluated: 2018-03-29. Review status: criteria provided, single submitter. Criteria: EGL ClinVar v180209 classification definitions. Collection method: clinical testing. Allele origin: germline. Observed: 6 variant alleles, 6 heterozygotes.

GeneDx
Classification: Likely benign. Last evaluated: 2017-05-30. Review status: criteria provided, single submitter. Criteria: GeneDx Variant Classification (06012015). Collection method: clinical testing. Allele origin: germline. Affected: yes.
Comment: This variant is considered likely benign or benign based on one or more of the following criteria: it is a conservative change, it occurs at a poorly conserved position in the protein, it is predicted to be benign by multiple in silico algorithms, and/or has population frequency not consistent with disease.

NM_004820.5(CYP7B1):c.1464G>A (p.Leu488=)

Gene: CYP7B1 (cytochrome P450 family 7 subfamily B member 1; minus strand). Cytogenetic location: 8q12.3.
Variant type: single nucleotide variant.
Coding change: c.1464G>A on transcript NM_004820.5 (MANE Select); coding-DNA position 1464, G replaced by A.
Protein change: p.Leu488=; no amino-acid change (leucine 488 retained).
Molecular consequence: synonymous variant. On other transcripts: intron variant (1).
Genome position (GRCh38, 1-based): chr8:64,596,699, C>T on the plus strand (G>A on the coding strand, the complement: CYP7B1 is on the minus strand). VCF-style: chr8-64596699-C-T. GRCh37 (hg19) VCF-style: chr8-65509256-C-T.
Other names: c.1234-6855G>A (NM_001324112.2).
Identifiers: ClinVar variation 501900 (VCV000501900.16), dbSNP rs114797034, ClinGen allele CA4763976.
Genomic context (GRCh38, chr8:64,596,699, plus strand): 5'-TCTCTAAGATTTCACTTTGTATCTAAATAAAACATCAGAATCTGGATACTGAATACCAAA[C>T]AACAAGCGGCTGTAGTTTAGTCCTATGGGCTTATCATCAATTATTTCTAAATCAAAATAA-3'
Protein context (NP_004811.1, residues 478-498): KPIGLNYSRL[Leu488=]FGIQYPDSDV